The following is an entry in ClinVar:

NM_006269.2(RP1):c.3091A>G (p.Ile1031Val)

Gene: RP1 (RP1 axonemal microtubule associated; plus strand). Cytogenetic location: 8q12.1.
Variant type: single nucleotide variant.
Coding change: c.3091A>G on transcript NM_006269.2 (MANE Select); coding-DNA position 3091, A replaced by G.
Protein change: p.Ile1031Val; replaces isoleucine 1031 with valine.
Molecular consequence: missense variant. On other transcripts: intron variant (1).
Genome position (GRCh38, 1-based): chr8:54,626,973, A>G. VCF-style: chr8-54626973-A-G. GRCh37 (hg19) VCF-style: chr8-55539533-A-G.
Other names: c.787+4685A>G (NM_001375654.1); short protein forms I1031V.
Identifiers: ClinVar variation 1467821 (VCV001467821.6), dbSNP rs749003868, ClinGen allele CA4751640.

ClinVar aggregate classification (germline): Uncertain significance (1 of 4 stars; one submission).

Allele frequency attached by ClinVar (database versions not stated): gnomAD 0.00001; gnomAD exomes 0.00001 and 0.00002; TOPMed 0.00002; ExAC 0.00003.
gnomAD v4.1: 5 of 1,613,936 alleles (0.00031%); highest among the groups gnomAD compares: East Asian, 0.0067%; no homozygotes.

Submission:

Labcorp Genetics (formerly Invitae), Labcorp
Classification: Uncertain significance. Last evaluated: 2021-08-19. Review status: criteria provided, single submitter. Criteria: Invitae Variant Classification Sherloc (09022015). Collection method: clinical testing. Allele origin: germline.
Comment: This sequence change replaces isoleucine with valine at codon 1031 of the RP1 protein (p.Ile1031Val). The isoleucine residue is moderately conserved and there is a small physicochemical difference between isoleucine and valine. This variant is present in population databases (rs749003868, ExAC 0.03%). This variant has not been reported in the literature in individuals affected with RP1-related conditions. Algorithms developed to predict the effect of missense changes on protein structure and function output the following: SIFT: "Tolerated"; PolyPhen-2: "Benign"; Align-GVGD: "Class C0". The valine amino acid residue is found in multiple mammalian species, which suggests that this missense change does not adversely affect protein function. In summary, the available evidence is currently insufficient to determine the role of this variant in disease. Therefore, it has been classified as a Variant of Uncertain Significance.